The following is an entry in ClinVar:

ClinVar aggregate classification (germline): Uncertain significance (1 of 4 stars; one submission).

Conditions:
Chédiak-Higashi syndrome (CHS). Also called: Chediak-Higashi Syndrome. Identifiers: Orphanet 167, MedGen C0007965, MONDO:0008963, OMIM 214500.

Allele frequency attached by ClinVar (database versions not stated): gnomAD 0.00001; TOPMed 0.00001.
gnomAD v4.1: 2 of 1,613,982 alleles (0.00012%); highest among the groups gnomAD compares: Admixed American, 0.0017%; no homozygotes.

Submission:

Labcorp Genetics (formerly Invitae), Labcorp
Classification: Uncertain significance for Chédiak-Higashi syndrome. Last evaluated: 2022-05-18. Review status: criteria provided, single submitter. Criteria: Invitae Variant Classification Sherloc (09022015). Collection method: clinical testing. Allele origin: germline.
Comment: This sequence change replaces methionine, which is neutral and non-polar, with threonine, which is neutral and polar, at codon 3250 of the LYST protein (p.Met3250Thr). This variant is not present in population databases (gnomAD no frequency). This variant has not been reported in the literature in individuals affected with LYST-related conditions. Algorithms developed to predict the effect of missense changes on protein structure and function are either unavailable or do not agree on the potential impact of this missense change (SIFT: "Deleterious"; PolyPhen-2: "Possibly Damaging"; Align-GVGD: "Class C0"). In summary, the available evidence is currently insufficient to determine the role of this variant in disease. Therefore, it has been classified as a Variant of Uncertain Significance.

NM_000081.4(LYST):c.9749T>C (p.Met3250Thr)

Gene: LYST (lysosomal trafficking regulator; minus strand). Cytogenetic location: 1q42.3.
Variant type: single nucleotide variant.
Coding change: c.9749T>C on transcript NM_000081.4 (MANE Select); coding-DNA position 9749, T replaced by C.
Protein change: p.Met3250Thr; replaces methionine 3250 with threonine.
Molecular consequence: missense variant.
Genome position (GRCh38, 1-based): chr1:235,715,236, A>G on the plus strand (T>C on the coding strand, the complement: LYST is on the minus strand). VCF-style: chr1-235715236-A-G. GRCh37 (hg19) VCF-style: chr1-235878536-A-G.
Other names: c.9749T>C, p.Met3250Thr (NM_001301365.1); short protein forms M3250T.
Identifiers: ClinVar variation 2047365 (VCV002047365.1), dbSNP rs1662731710, ClinGen allele CA344939126.